The following is an entry in ClinVar:

NC_000006.12:g.(?_5368551)_(5369202_?)del

Genes: FARS2 (phenylalanyl-tRNA synthetase 2, mitochondrial; plus strand), LOC126859565 (CDK7 strongly-dependent group 2 enhancer GRCh37_chr6:5368745-5369944; plus strand). Cytogenetic location: 6p25.1.
Variant type: Deletion.
Identifiers: ClinVar variation 473306 (VCV000473306.2).

ClinVar aggregate classification (germline): Pathogenic (1 of 4 stars; one submission).

Conditions:
Combined oxidative phosphorylation defect type 14. Also called: Combined oxidative phosphorylation deficiency 14. Identifiers: Orphanet 319519, MedGen C4755312, MONDO:0013986, OMIM 614946.

Submission:

Labcorp Genetics (formerly Invitae), Labcorp
Classification: Pathogenic for Combined oxidative phosphorylation deficiency 14. Last evaluated: 2019-07-08. Review status: criteria provided, single submitter. Criteria: Invitae Variant Classification Sherloc (09022015). Collection method: clinical testing. Allele origin: germline.
Comment: This variant is a gross deletion of the genomic region encompassing exon 2 of the FARS2 gene, which includes the initiator codon. The 5' end of this event is unknown as it extends beyond the assayed region for this gene and therefore may encompass additional genes. The 3' boundary is likely confined to intron 2 of the FARS2 gene. This is expected to result in an absent or disrupted protein product. This variant has been observed in an individual affected with early-infantile-encephalopathy (PMID: 27549011). Loss-of-function variants in FARS2 are known to be pathogenic (PMID: 22833457). For these reasons, this variant has been classified as Pathogenic.

Literature cited by the submitters: PubMed 27549011.